The following is an entry in ClinVar:

ClinVar aggregate classification (germline): Likely pathogenic (1 of 4 stars; one submission).

Submission:

Labcorp Genetics (formerly Invitae), Labcorp
Classification: Likely pathogenic. Last evaluated: 2023-08-11. Review status: criteria provided, single submitter. Criteria: Invitae Variant Classification Sherloc (09022015). Collection method: clinical testing. Allele origin: germline.
Comment: In summary, the currently available evidence indicates that the variant is pathogenic, but additional data are needed to prove that conclusively. Therefore, this variant has been classified as Likely Pathogenic. Algorithms developed to predict the effect of sequence changes on RNA splicing suggest that this variant may disrupt the consensus splice site. This variant has not been reported in the literature in individuals affected with USH2A-related conditions. This variant is not present in population databases (gnomAD no frequency). This sequence change affects an acceptor splice site in intron 57 of the USH2A gene. It is expected to disrupt RNA splicing. Variants that disrupt the donor or acceptor splice site typically lead to a loss of protein function (PMID: 16199547), and loss-of-function variants in USH2A are known to be pathogenic (PMID: 10729113, 10909849, 20507924, 25649381).

Literature cited by the submitters: PubMed 16199547; PubMed 10729113; PubMed 10909849; PubMed 20507924; PubMed 25649381.

NM_206933.4(USH2A):c.11232-1G>C

Gene: USH2A (usherin; minus strand). Cytogenetic location: 1q41.
Variant type: single nucleotide variant.
Coding change: c.11232-1G>C on transcript NM_206933.4 (MANE Select); the canonical splice acceptor site of the intron before coding-DNA position 11232, G replaced by C.
Molecular consequence: splice acceptor variant.
Genome position (GRCh38, 1-based): chr1:215,758,753, C>G on the plus strand (G>C on the coding strand, the complement: USH2A is on the minus strand). VCF-style: chr1-215758753-C-G. GRCh37 (hg19) VCF-style: chr1-215932095-C-G.
Identifiers: ClinVar variation 2752076 (VCV002752076.3), dbSNP rs2102741367, ClinGen allele CA344821403.
Genomic context (GRCh38, chr1:215,758,753, plus strand): 5'-ATGTAATCATCACTAGCACTGCTGCCACCTCCAGTTTTGACTTCTAACTTGTAAGTGTAT[C>G]TATATTTAAAAAGAAAGAAGAATTGTGGTAAGGCCATGCACAAGAGACTTGAACAATGAT-3'